The following is an entry in ClinVar:

NM_000321.3(RB1):c.291A>G (p.Glu97=)

Gene: RB1 (RB transcriptional corepressor 1; plus strand). Cytogenetic location: 13q14.2.
Variant type: single nucleotide variant.
Coding change: c.291A>G on transcript NM_000321.3 (MANE Select); coding-DNA position 291, A replaced by G.
Protein change: p.Glu97=; no amino-acid change (glutamic acid 97 retained).
Molecular consequence: synonymous variant.
Genome position (GRCh38, 1-based): chr13:48,342,625, A>G. VCF-style: chr13-48342625-A-G. GRCh37 (hg19) VCF-style: chr13-48916761-A-G.
Identifiers: ClinVar variation 759933 (VCV000759933.16), dbSNP rs919345517, ClinGen allele CA249846140.

ClinVar aggregate classification (germline): Benign/Likely benign. Review status: criteria provided, multiple submitters, no conflicts (2 of 4 stars). 5 submissions from 5 submitters: Benign (1); Likely benign (4). Last evaluated 2026-09-01.

Conditions:
Retinoblastoma (RB1). Also called: RETINOBLASTOMA, SOMATIC. Identifiers: Orphanet 790, MedGen C0035335, MeSH D012175, MONDO:0008380, OMIM 180200, HP:0009919. Disease mechanism: loss of function. Inheritance: Both sporadic and heritable forms are tested..
Hereditary cancer-predisposing syndrome. Also called: Hereditary neoplastic syndrome; Hereditary Cancer Syndrome; Neoplastic Syndromes, Hereditary; Tumor predisposition. Identifiers: Orphanet 140162, MedGen C0027672, MeSH D009386, MONDO:0015356.

Allele frequency attached by ClinVar (database versions not stated): gnomAD exomes below 0.00001 and 0.00001; gnomAD 0.00001.
gnomAD v4.1: 6 of 1,611,292 alleles (0.00037%); highest among the groups gnomAD compares: Middle Eastern, 0.033%; no homozygotes.

Submissions (5):

CeGaT Center for Human Genetics Tuebingen
Classification: Likely benign. Last evaluated: 2026-09-01. Review status: criteria provided, single submitter. Criteria: CeGaT Center For Human Genetics Tuebingen Variant Classification Criteria Version 2. Collection method: clinical testing. Allele origin: germline. Affected: yes. Observed: 1 variant allele.
Comment: RB1: BP4, BP7

Myriad Genetics, Inc.
Classification: Benign for Retinoblastoma. Last evaluated: 2026-06-23. Review status: criteria provided, single submitter. Criteria: Myriad Autosomal Dominant, Autosomal Recessive and X-Linked Classification Criteria (2023). Collection method: clinical testing. Allele origin: unknown.
Comment: This variant is considered benign. This variant is a silent/synonymous amino acid change and it is not expected to impact splicing.

Labcorp Genetics (formerly Invitae), Labcorp
Classification: Likely benign for Retinoblastoma. Last evaluated: 2024-07-08. Review status: criteria provided, single submitter. Criteria: Invitae Variant Classification Sherloc (09022015). Collection method: clinical testing. Allele origin: germline.

Blueprint Genetics
Classification: Likely benign. Last evaluated: 2022-12-07. Review status: criteria provided, single submitter. Criteria: ACMG Guidelines, 2015. Collection method: clinical testing. Allele origin: germline.

Ambry Genetics
Classification: Likely benign for Hereditary cancer-predisposing syndrome. Last evaluated: 2020-04-28. Review status: criteria provided, single submitter. Criteria: Ambry Variant Classification Scheme 2023. Collection method: clinical testing. Allele origin: germline.